The following is an entry in ClinVar:

NM_001848.3(COL6A1):c.1809G>T (p.Met603Ile)

Gene: COL6A1 (collagen type VI alpha 1 chain; plus strand). Cytogenetic location: 21q22.3.
Variant type: single nucleotide variant.
Coding change: c.1809G>T on transcript NM_001848.3 (MANE Select); coding-DNA position 1809, G replaced by T.
Protein change: p.Met603Ile; replaces methionine 603 with isoleucine.
Molecular consequence: missense variant.
Genome position (GRCh38, 1-based): chr21:46,000,363, G>T. VCF-style: chr21-46000363-G-T. GRCh37 (hg19) VCF-style: chr21-47420277-G-T.
Other names: short protein forms M603I.
Identifiers: ClinVar variation 4760904 (VCV004760904.1).
Genomic context (GRCh38, chr21:46,000,363, plus strand): 5'-CCCAGTACCCTCGTCTCTCCCTCCCCAGGAATGCGAGATTTTGGACATCATCATGAAAAT[G>T]TGCTGTGAGTATCTCTGAGAAGCCGTCCTCGTTAGGGAGAGCAGGGCCGCCAGCCTGGCC-3'
Protein context (NP_001839.2, residues 593-613): ECEILDIIMK[Met603Ile]CSCCECKCGP

ClinVar aggregate classification (germline): Uncertain significance (1 of 4 stars; one submission).

Conditions:
Bethlem myopathy 1A. Also called: Bethlem myopathy 1; Bethlem Muscular Dystrophy; MYOPATHY, BENIGN CONGENITAL, WITH CONTRACTURES. Identifiers: Orphanet 610, MedGen CN029274, MONDO:0024530, OMIM 158810.

Submission:

Labcorp Genetics (formerly Invitae), Labcorp
Classification: Uncertain significance for Bethlem myopathy 1A. Last evaluated: 2025-12-11. Review status: criteria provided, single submitter. Criteria: Invitae Variant Classification Sherloc (09022015). Collection method: clinical testing. Allele origin: germline.
Comment: This sequence change replaces methionine, which is neutral and non-polar, with isoleucine, which is neutral and non-polar, at codon 603 of the COL6A1 protein (p.Met603Ile). This variant is not present in population databases (gnomAD no frequency). This variant has not been reported in the literature in individuals affected with COL6A1-related conditions. Invitae Evidence Modeling of protein sequence and biophysical properties (such as structural, functional, and spatial information, amino acid conservation, physicochemical variation, residue mobility, and thermodynamic stability) indicates that this missense variant is not expected to disrupt COL6A1 protein function with a negative predictive value of 95%. In summary, the available evidence is currently insufficient to determine the role of this variant in disease. Therefore, it has been classified as a Variant of Uncertain Significance.